The following is an entry in ClinVar:

ClinVar aggregate classification (germline): Uncertain significance (1 of 4 stars; one submission).

Conditions:
Cardiovascular phenotype. Identifiers: MedGen CN230736.

Allele frequency attached by ClinVar (database versions not stated): gnomAD exomes below 0.00001; TOPMed below 0.00001; ExAC 0.00001.
gnomAD v4.1: 4 of 1,609,662 alleles (0.00025%); highest among the groups gnomAD compares: Admixed American, 0.0067%; no homozygotes.

Submission:

Ambry Genetics
Classification: Uncertain significance for Cardiovascular phenotype. Last evaluated: 2022-06-19. Review status: criteria provided, single submitter. Criteria: Ambry Variant Classification Scheme 2023. Collection method: clinical testing. Allele origin: germline.
Comment: The p.A1638V variant (also known as c.4913C>T), located in coding exon 18 of the AKAP9 gene, results from a C to T substitution at nucleotide position 4913. The alanine at codon 1638 is replaced by valine, an amino acid with similar properties. This amino acid position is conserved. In addition, this alteration is predicted to be tolerated by in silico analysis. Since supporting evidence is limited at this time, the clinical significance of this alteration remains unclear.

NM_005751.5(AKAP9):c.4913C>T (p.Ala1638Val)

Gene: AKAP9 (A-kinase anchoring protein 9; plus strand). Cytogenetic location: 7q21.2.
Variant type: single nucleotide variant.
Coding change: c.4913C>T on transcript NM_005751.5 (MANE Select); coding-DNA position 4913, C replaced by T.
Protein change: p.Ala1638Val; replaces alanine 1638 with valine.
Molecular consequence: missense variant.
Genome position (GRCh38, 1-based): chr7:92,040,894, C>T. VCF-style: chr7-92040894-C-T. GRCh37 (hg19) VCF-style: chr7-91670208-C-T.
Other names: c.4913C>T, p.Ala1638Val (NM_147185.3); short protein forms A1638V.
Identifiers: ClinVar variation 1744063 (VCV001744063.2), dbSNP rs756990151, ClinGen allele CA4336679.
Genomic context (GRCh38, chr7:92,040,894, plus strand): 5'-GACAGCGAGAAGACCAGGAACAGCTACAAGAAGAGATTAAGAGACTTAATAGACAATTAG[C>T]CCAGGTAAGGGTCTTGTAGTCCCCTTTCTCTCCCCAGTTATTTTTTTTTCCAAACACCAA-3'
Protein context (NP_005742.4, residues 1628-1648): EEIKRLNRQL[Ala1638Val]QRSSIDNENL